The following is an entry in ClinVar:

ClinVar aggregate classification (germline): Uncertain significance (1 of 4 stars; one submission).

Conditions:
Infantile spasms. Also called: Infantile spasm. Identifiers: MedGen C3887898, HP:0012469.

Allele frequency attached by ClinVar (database versions not stated): gnomAD exomes below 0.00001; TOPMed below 0.00001.
gnomAD v4.1: 2 of 1,614,134 alleles (0.00012%); highest among the groups gnomAD compares: Admixed American, 0.0017%; no homozygotes.

Submission:

Labcorp Genetics (formerly Invitae), Labcorp
Classification: Uncertain significance for Infantile spasms. Last evaluated: 2024-06-18. Review status: criteria provided, single submitter. Criteria: Invitae Variant Classification Sherloc (09022015). Collection method: clinical testing. Allele origin: germline.
Comment: This sequence change replaces arginine, which is basic and polar, with lysine, which is basic and polar, at codon 221 of the PIK3AP1 protein (p.Arg221Lys). This variant is not present in population databases (gnomAD no frequency). This variant has not been reported in the literature in individuals affected with PIK3AP1-related conditions. An algorithm developed to predict the effect of missense changes on protein structure and function (PolyPhen-2) suggests that this variant is likely to be tolerated. In summary, the available evidence is currently insufficient to determine the role of this variant in disease. Therefore, it has been classified as a Variant of Uncertain Significance.

NM_152309.3(PIK3AP1):c.662G>A (p.Arg221Lys)

Gene: PIK3AP1 (phosphoinositide-3-kinase adaptor protein 1; minus strand). Cytogenetic location: 10q24.1.
Variant type: single nucleotide variant.
Coding change: c.662G>A on transcript NM_152309.3 (MANE Select); coding-DNA position 662, G replaced by A.
Protein change: p.Arg221Lys; replaces arginine 221 with lysine.
Molecular consequence: missense variant.
Genome position (GRCh38, 1-based): chr10:96,652,748, C>T on the plus strand (G>A on the coding strand, the complement: PIK3AP1 is on the minus strand). VCF-style: chr10-96652748-C-T. GRCh37 (hg19) VCF-style: chr10-98412505-C-T.
Other names: short protein forms R221K.
Identifiers: ClinVar variation 2897031 (VCV002897031.3), dbSNP rs1843557332, ClinGen allele CA377747735.